The following is an entry in ClinVar:

NM_001081550.2(THOC2):c.1428+10T>A

Gene: THOC2 (THO complex subunit 2; minus strand). Cytogenetic location: Xq25.
Variant type: single nucleotide variant.
Coding change: c.1428+10T>A on transcript NM_001081550.2 (MANE Select); 10 bases into the intron after coding-DNA position 1428, T replaced by A.
Molecular consequence: intron variant.
Genome position (GRCh38, 1-based): chrX:123,645,324, A>T on the plus strand (T>A on the coding strand, the complement: THOC2 is on the minus strand). VCF-style: chrX-123645324-A-T. GRCh37 (hg19) VCF-style: chrX-122779175-A-T.
Identifiers: ClinVar variation 3043409 (VCV003043409.2), dbSNP rs2048079347, ClinGen allele CA2455962064.
Genomic context (GRCh38, chrX:123,645,324, plus strand): 5'-CAGTAAAATTTGTAATATACTGTAGCAAGACAAACATTAGACACATTATTGGATTTTTCT[A>T]GTCTCTTACCGTTTTTTCTTTATCTTCTTGTTTGCTTCCATCAGACTGAAACTACAATTT-3'

ClinVar aggregate classification (germline): Likely benign (0 of 4 stars; one submission).

Conditions:
THOC2-related disorder. Also called: THOC2-related condition.

Allele frequency attached by ClinVar (database versions not stated): gnomAD exomes 0.00001; TOPMed 0.00001.
gnomAD v4.1: 8 of 1,129,500 alleles (0.00071%); highest among the groups gnomAD compares: Non-Finnish European, 0.00095%; no homozygotes.

Submission:

PreventionGenetics, part of Exact Sciences
Classification: Likely benign for THOC2-related condition. Last evaluated: 2019-06-21. Review status: no assertion criteria provided. Collection method: clinical testing. Allele origin: germline.
Comment: This variant is classified as likely benign based on ACMG/AMP sequence variant interpretation guidelines (Richards et al. 2015 PMID: 25741868, with internal and published modifications).